The following is an entry in ClinVar:

ClinVar aggregate classification (germline): Uncertain significance (1 of 4 stars; one submission).

Allele frequency attached by ClinVar (database versions not stated): gnomAD 0.00001; TOPMed 0.00001; ExAC 0.00002.
gnomAD v4.1: 13 of 1,614,104 alleles (0.00081%); highest among the groups gnomAD compares: Admixed American, 0.012%; no homozygotes.

Submission:

Labcorp Genetics (formerly Invitae), Labcorp
Classification: Uncertain significance. Last evaluated: 2022-03-26. Review status: criteria provided, single submitter. Criteria: Invitae Variant Classification Sherloc (09022015). Collection method: clinical testing. Allele origin: germline.
Comment: In summary, the available evidence is currently insufficient to determine the role of this variant in disease. Therefore, it has been classified as a Variant of Uncertain Significance. Algorithms developed to predict the effect of missense changes on protein structure and function (SIFT, PolyPhen-2, Align-GVGD) all suggest that this variant is likely to be disruptive. This variant has not been reported in the literature in individuals affected with CNTNAP1-related conditions. This variant is present in population databases (rs763917751, gnomAD 0.01%). This sequence change replaces alanine, which is neutral and non-polar, with valine, which is neutral and non-polar, at codon 663 of the CNTNAP1 protein (p.Ala663Val).

NM_003632.3(CNTNAP1):c.1988C>T (p.Ala663Val)

Gene: CNTNAP1 (contactin associated protein 1; plus strand). Cytogenetic location: 17q21.2.
Variant type: single nucleotide variant.
Coding change: c.1988C>T on transcript NM_003632.3 (MANE Select); coding-DNA position 1988, C replaced by T.
Protein change: p.Ala663Val; replaces alanine 663 with valine.
Molecular consequence: missense variant.
Genome position (GRCh38, 1-based): chr17:42,690,871, C>T. VCF-style: chr17-42690871-C-T. GRCh37 (hg19) VCF-style: chr17-40842889-C-T.
Other names: short protein forms A663V.
Identifiers: ClinVar variation 1940358 (VCV001940358.5), dbSNP rs763917751, ClinGen allele CA8581930.